The following is an entry in ClinVar:

NM_000271.5(NPC1):c.2972del (p.Gln991fs)

Gene: NPC1 (NPC intracellular cholesterol transporter 1; minus strand). Cytogenetic location: 18q11.2.
Variant type: Deletion.
Coding change: c.2972del on transcript NM_000271.5 (MANE Select); coding-DNA position 2972, one base deleted (A; older notation c.2972delA).
Protein change: p.Gln991fs; shifts the reading frame from glutamine 991.
Molecular consequence: frameshift variant.
Genome position (GRCh38, 1-based): chr18:23,538,611, T deleted on the plus strand (A on the coding strand, the reverse complement: NPC1 is on the minus strand). VCF-style (leftmost placement, unchanged base first): chr18-23538610-CT-C. GRCh37 (hg19) VCF-style: chr18-21118574-CT-C.
Other names: c.2972delA (NM_000271.4); short protein forms Q991fs.
Identifiers: ClinVar variation 1341592 (VCV001341592.9), dbSNP rs1567948623, ClinGen allele CA628677789.
Genomic context (GRCh38, chr18:23,538,610, plus strand): 5'-ACACTTGGGGTTAGGGTTATCCGAAAGGAACATGGGCAGGAATCTCATGAAGTCTCCCCC[CT>C]GAGGCCTCTGTTTGCCTTCCGGAGTCAGAGGCCTGCAGCGAACGCAGGCAGGGTCAACCA-3'

ClinVar aggregate classification (germline): Pathogenic. Review status: criteria provided, multiple submitters, no conflicts (2 of 4 stars). 5 submissions from 5 submitters: Pathogenic (5). Last evaluated 2025-07-22.

Conditions:
Niemann-Pick disease, type C1. Also called: NIEMANN-PICK DISEASE, VARIANT TYPE C1; NEUROVISCERAL STORAGE DISEASE WITH VERTICAL SUPRANUCLEAR OPHTHALMOPLEGIA; NIEMANN-PICK DISEASE WITH CHOLESTEROL ESTERIFICATION BLOCK; NIEMANN-PICK DISEASE WITHOUT SPHINGOMYELINASE DEFICIENCY; NIEMANN-PICK DISEASE, CHRONIC NEURONOPATHIC FORM. Identifiers: Orphanet 646, MedGen C3179455, MONDO:0009757, OMIM 257220.

Allele frequency attached by ClinVar (database versions not stated): TOPMed below 0.00001; gnomAD exomes 0.00001.

Submissions (5):

Labcorp Genetics (formerly Invitae), Labcorp
Classification: Pathogenic for Niemann-Pick disease, type C1. Last evaluated: 2025-07-22. Review status: criteria provided, single submitter. Criteria: Invitae Variant Classification Sherloc (09022015). Collection method: clinical testing. Allele origin: germline.
Comment: This sequence change creates a premature translational stop signal (p.Gln991Argfs*6) in the NPC1 gene. It is expected to result in an absent or disrupted protein product. Loss-of-function variants in NPC1 are known to be pathogenic (PMID: 9211850). This variant is present in population databases (no rsID available, gnomAD 0.002%). This variant has not been reported in the literature in individuals affected with NPC1-related conditions. ClinVar contains an entry for this variant (Variation ID: 1341592). For these reasons, this variant has been classified as Pathogenic.

Natera, Inc.
Classification: Pathogenic for Niemann-Pick disease type C1. Last evaluated: 2025-01-06. Review status: criteria provided, single submitter. Criteria: Natera Variant Classification Schema (03/2026). Collection method: clinical testing. Allele origin: germline.
Comment: The c.2972delA variant in NPC1 is a frameshift variant predicted to shift the reading frame beginning at codon 991 and leads to a stop codon 6 codons downstream. This variant is expected to result in nonsense mediated decay, truncation, or a dysfunctional protein product. This variant is rare in the general population with a frequency below the threshold expected for the associated phenotype(s). This variant has been observed in one or more individuals affected with the associated recessive disease, as either homozygous or compound heterozygous with a second variant (PMID: 33938663). Given the available evidence, this variant is classified as Pathogenic.

3billion
Classification: Pathogenic for Niemann-Pick disease, type C1. Last evaluated: 2024-07-11. Review status: criteria provided, single submitter. Criteria: ACMG Guidelines, 2015. Collection method: clinical testing. Allele origin: germline. Affected: yes.
Comment: The variant is observed at an extremely low frequency in the gnomAD v4.0.0 dataset (total allele frequency: <0.001%). Predicted Consequence/Location: Frameshift: predicted to result in a loss or disruption of normal protein function through nonsense-mediated decay (NMD) or protein truncation. Multiple pathogenic variants are reported downstream of the variant. The variant has been reported at least twice as pathogenic with clinical assertions and evidence for the classification (ClinVar ID: VCV001341592). Therefore, this variant is classified as Pathogenic according to the recommendation of ACMG/AMP guideline.

Mendelics
Classification: Pathogenic for Niemann-Pick disease, type C1. Last evaluated: 2022-05-04. Review status: criteria provided, single submitter. Criteria: Mendelics Assertion Criteria 2019. Collection method: clinical testing. Allele origin: germline.

GeneDx
Classification: Pathogenic. Last evaluated: 2022-01-31. Review status: criteria provided, single submitter. Criteria: GeneDx Variant Classification Process June 2021. Collection method: clinical testing. Allele origin: germline. Affected: yes.
Comment: Frameshift variant predicted to result in protein truncation or nonsense mediated decay in a gene for which loss-of-function is a known mechanism of disease; Not observed at significant frequency in large population cohorts (gnomAD); This variant is associated with the following publications: (PMID: 26924602)

Literature cited by the submitters: PubMed 9211850 (cited by Labcorp Genetics (formerly Invitae), Labcorp); PubMed 33938663 (cited by Natera, Inc.).